The following is an entry in ClinVar:

ClinVar aggregate classification (germline): Likely benign. Review status: criteria provided, multiple submitters, no conflicts (2 of 4 stars). 6 submissions from 6 submitters: Likely benign (5). 1 of the submissions does not count toward it. Last evaluated 2026-03-17.

Conditions:
Cardiovascular phenotype. Identifiers: MedGen CN230736.
ALPK3-related disorder. Also called: ALPK3-related condition.

Allele frequency attached by ClinVar (database versions not stated): gnomAD exomes 0.00006 and 0.00013; ExAC 0.00013; gnomAD 0.00017 and 0.00018; TOPMed 0.00018; 1000 Genomes Project 0.00040; 1000 Genomes Project 30x 0.00047.
gnomAD v4.1: 117 of 1,584,886 alleles (0.0074%); highest among the groups gnomAD compares: Admixed American, 0.066%; no homozygotes.

Submissions (6):

Women's Health and Genetics/Laboratory Corporation of America, LabCorp
Classification: Likely benign. Last evaluated: 2026-03-17. Review status: criteria provided, single submitter. Criteria: LabCorp Variant Classification Summary - May 2015. Collection method: clinical testing. Allele origin: germline.

Labcorp Genetics (formerly Invitae), Labcorp
Classification: Likely benign. Last evaluated: 2025-12-24. Review status: criteria provided, single submitter. Criteria: Invitae Variant Classification Sherloc (09022015). Collection method: clinical testing. Allele origin: germline.

Blueprint Genetics
Classification: Likely benign. Last evaluated: 2024-03-15. Review status: criteria provided, single submitter. Criteria: ACMG Guidelines, 2015. Collection method: clinical testing. Allele origin: germline.

GeneDx
Classification: Likely benign. Last evaluated: 2021-04-09. Review status: criteria provided, single submitter. Criteria: GeneDx Variant Classification Process June 2021. Collection method: clinical testing. Allele origin: germline. Affected: yes.

Ambry Genetics
Classification: Likely benign for Cardiovascular phenotype. Last evaluated: 2019-02-11. Review status: criteria provided, single submitter. Criteria: Ambry Variant Classification Scheme 2023. Collection method: clinical testing. Allele origin: germline.

PreventionGenetics, part of Exact Sciences
Classification: Likely benign for ALPK3-related condition. Last evaluated: 2020-10-29. Review status: no assertion criteria provided. Collection method: clinical testing. Allele origin: germline. Not counted in ClinVar's aggregate classification.
Comment: This variant is classified as likely benign based on ACMG/AMP sequence variant interpretation guidelines (Richards et al. 2015 PMID: 25741868, with internal and published modifications).

NM_020778.5(ALPK3):c.2808C>T (p.Cys936=)

Gene: ALPK3 (alpha kinase 3; plus strand). Cytogenetic location: 15q25.3.
Variant type: single nucleotide variant.
Coding change: c.2808C>T on transcript NM_020778.5 (MANE Select); coding-DNA position 2808, C replaced by T.
Protein change: p.Cys936=; no amino-acid change (cysteine 936 retained).
Molecular consequence: synonymous variant.
Genome position (GRCh38, 1-based): chr15:84,857,546, C>T. VCF-style: chr15-84857546-C-T. GRCh37 (hg19) VCF-style: chr15-85400777-C-T.
Identifiers: ClinVar variation 668506 (VCV000668506.16), dbSNP rs549842134, ClinGen allele CA7709498.